The following is an entry in ClinVar:

NM_015213.4(DENND5A):c.679C>T (p.His227Tyr)

Gene: DENND5A (DENN domain containing 5A; minus strand). Cytogenetic location: 11p15.4.
Variant type: single nucleotide variant.
Coding change: c.679C>T on transcript NM_015213.4 (MANE Select); coding-DNA position 679, C replaced by T.
Protein change: p.His227Tyr; replaces histidine 227 with tyrosine.
Molecular consequence: missense variant. On other transcripts: non-coding transcript variant (1).
Genome position (GRCh38, 1-based): chr11:9,203,930, G>A on the plus strand (C>T on the coding strand, the complement: DENND5A is on the minus strand). VCF-style: chr11-9203930-G-A. GRCh37 (hg19) VCF-style: chr11-9225477-G-A.
Other names: c.679C>T, p.His227Tyr (NM_001243254.2, NM_001348748.1); c.607C>T, p.His203Tyr (NM_001348749.2); c.391C>T, p.His131Tyr (NM_001348750.2); short protein forms H131Y, H227Y, H203Y.
Identifiers: ClinVar variation 2001138 (VCV002001138.1), dbSNP rs1157945817, ClinGen allele CA379598398.

ClinVar aggregate classification (germline): Uncertain significance (1 of 4 stars; one submission).

Allele frequency attached by ClinVar (database versions not stated): gnomAD exomes below 0.00001; TOPMed below 0.00001.

Submission:

Labcorp Genetics (formerly Invitae), Labcorp
Classification: Uncertain significance. Last evaluated: 2022-05-30. Review status: criteria provided, single submitter. Criteria: Invitae Variant Classification Sherloc (09022015). Collection method: clinical testing. Allele origin: germline.
Comment: This sequence change replaces histidine, which is basic and polar, with tyrosine, which is neutral and polar, at codon 227 of the DENND5A protein (p.His227Tyr). This variant is not present in population databases (gnomAD no frequency). This variant has not been reported in the literature in individuals affected with DENND5A-related conditions. Algorithms developed to predict the effect of missense changes on protein structure and function output the following: SIFT: "Tolerated"; PolyPhen-2: "Benign"; Align-GVGD: "Class C0". The tyrosine amino acid residue is found in multiple mammalian species, which suggests that this missense change does not adversely affect protein function. In summary, the available evidence is currently insufficient to determine the role of this variant in disease. Therefore, it has been classified as a Variant of Uncertain Significance.